The following is an entry in ClinVar:

ClinVar aggregate classification (germline): Uncertain significance (1 of 4 stars; one submission).

Conditions:
Spermatogenic failure 18. Identifiers: MedGen C4539783, MONDO:0054615, OMIM 617576.
Ciliary dyskinesia, primary, 37 (CILD37). Also called: CILIARY DYSKINESIA, PRIMARY, 37, WITH OR WITHOUT SITUS INVERSUS. Identifiers: MedGen C4539798, MONDO:0033204, OMIM 617577.

Submission:

Labcorp Genetics (formerly Invitae), Labcorp
Classification: Uncertain significance for Ciliary dyskinesia, primary, 37; Spermatogenic failure 18. Last evaluated: 2024-05-11. Review status: criteria provided, single submitter. Criteria: Invitae Variant Classification Sherloc (09022015). Collection method: clinical testing. Allele origin: germline.
Comment: This sequence change falls in intron 65 of the DNAH1 gene. It does not directly change the encoded amino acid sequence of the DNAH1 protein. It affects a nucleotide within the consensus splice site. This variant is not present in population databases (gnomAD no frequency). This variant has not been reported in the literature in individuals affected with DNAH1-related conditions. Variants that disrupt the consensus splice site are a relatively common cause of aberrant splicing (PMID: 17576681, 9536098). Algorithms developed to predict the effect of sequence changes on RNA splicing suggest that this variant is not likely to affect RNA splicing. In summary, the available evidence is currently insufficient to determine the role of this variant in disease. Therefore, it has been classified as a Variant of Uncertain Significance.

Literature cited by the submitters: PubMed 17576681; PubMed 9536098.

NM_015512.5(DNAH1):c.10474+4G>T

Gene: DNAH1 (dynein axonemal heavy chain 1; plus strand). Cytogenetic location: 3p21.1.
Variant type: single nucleotide variant.
Coding change: c.10474+4G>T on transcript NM_015512.5 (MANE Select); 4 bases into the intron after coding-DNA position 10474, G replaced by T.
Molecular consequence: intron variant.
Genome position (GRCh38, 1-based): chr3:52,393,029, G>T. VCF-style: chr3-52393029-G-T. GRCh37 (hg19) VCF-style: chr3-52427045-G-T.
Identifiers: ClinVar variation 3755680 (VCV003755680.2).